The following is an entry in ClinVar:

NM_000051.4(ATM):c.8302G>A (p.Glu2768Lys)

Genes: ATM (ATM serine/threonine kinase; plus strand), C11orf65 (chromosome 11 open reading frame 65; minus strand). Cytogenetic location: 11q22.3.
Variant type: single nucleotide variant.
Coding change: c.8302G>A on transcript NM_000051.4 (MANE Select); coding-DNA position 8302, G replaced by A.
Protein change: p.Glu2768Lys; replaces glutamic acid 2768 with lysine.
Molecular consequence: missense variant. On other transcripts: intron variant (2).
Genome position (GRCh38, 1-based): chr11:108,343,255, G>A. VCF-style: chr11-108343255-G-A. GRCh37 (hg19) VCF-style: chr11-108213982-G-A.
Other names: c.8302G>A, p.Glu2768Lys (NM_001351834.2); c.641-34184C>T (NM_001330368.2); c.695-7963C>T (NM_001351110.2); short protein forms E2768K.
Identifiers: ClinVar variation 485236 (VCV000485236.8), dbSNP rs1555135513, ClinGen allele CA382516343.

ClinVar aggregate classification (germline): Uncertain significance (1 of 4 stars; one submission).

Conditions:
Hereditary cancer-predisposing syndrome. Also called: Neoplastic Syndromes, Hereditary; Hereditary Cancer Syndrome; Tumor predisposition; Hereditary neoplastic syndrome. Identifiers: Orphanet 140162, MedGen C0027672, MeSH D009386, MONDO:0015356.

Submission:

Ambry Genetics
Classification: Uncertain significance for Hereditary cancer-predisposing syndrome. Last evaluated: 2024-06-07. Review status: criteria provided, single submitter. Criteria: Ambry Variant Classification Scheme 2023. Collection method: clinical testing. Allele origin: germline.
Comment: The p.E2768K variant (also known as c.8302G>A), located in coding exon 56 of the ATM gene, results from a G to A substitution at nucleotide position 8302. The glutamic acid at codon 2768 is replaced by lysine, an amino acid with similar properties. This amino acid position is highly conserved in available vertebrate species. In addition, this alteration is predicted to be deleterious by in silico analysis. Based on the available evidence, the clinical significance of this variant remains unclear.